The following is an entry in ClinVar:

NM_006231.4(POLE):c.3609C>G (p.Asp1203Glu)

Gene: POLE (DNA polymerase epsilon, catalytic subunit; minus strand). Cytogenetic location: 12q24.33.
Variant type: single nucleotide variant.
Coding change: c.3609C>G on transcript NM_006231.4 (MANE Select); coding-DNA position 3609, C replaced by G.
Protein change: p.Asp1203Glu; replaces aspartic acid 1203 with glutamic acid.
Molecular consequence: missense variant.
Genome position (GRCh38, 1-based): chr12:132,649,863, G>C on the plus strand (C>G on the coding strand, the complement: POLE is on the minus strand). VCF-style: chr12-132649863-G-C. GRCh37 (hg19) VCF-style: chr12-133226449-G-C.
Other names: short protein forms D1203E.
Identifiers: ClinVar variation 1995041 (VCV001995041.4), dbSNP rs768023673, ClinGen allele CA387386997.

ClinVar aggregate classification (germline): Uncertain significance (1 of 4 stars; one submission).

Submission:

Labcorp Genetics (formerly Invitae), Labcorp
Classification: Uncertain significance. Last evaluated: 2023-08-10. Review status: criteria provided, single submitter. Criteria: Invitae Variant Classification Sherloc (09022015). Collection method: clinical testing. Allele origin: germline.
Comment: This sequence change replaces aspartic acid, which is acidic and polar, with glutamic acid, which is acidic and polar, at codon 1203 of the POLE protein (p.Asp1203Glu). This variant is not present in population databases (gnomAD no frequency). This variant has not been reported in the literature in individuals affected with POLE-related conditions. ClinVar contains an entry for this variant (Variation ID: 1995041). Advanced modeling of protein sequence and biophysical properties (such as structural, functional, and spatial information, amino acid conservation, physicochemical variation, residue mobility, and thermodynamic stability) performed at Invitae indicates that this missense variant is not expected to disrupt POLE protein function. In summary, the available evidence is currently insufficient to determine the role of this variant in disease. Therefore, it has been classified as a Variant of Uncertain Significance.